The following is an entry in ClinVar:

ClinVar aggregate classification (germline): Uncertain significance (1 of 4 stars; one submission).

Conditions:
Combined immunodeficiency due to CTPS1 deficiency. Also called: Immunodeficiency 24; Severe combined immunodeficiency due to CTPS1 deficiency. Identifiers: Orphanet 420573, MedGen C4014617, MONDO:0014391, OMIM 615897.

Submission:

Labcorp Genetics (formerly Invitae), Labcorp
Classification: Uncertain significance for Combined immunodeficiency due to CTPS1 deficiency. Last evaluated: 2022-08-10. Review status: criteria provided, single submitter. Criteria: Invitae Variant Classification Sherloc (09022015). Collection method: clinical testing. Allele origin: germline.
Comment: This variant has not been reported in the literature in individuals affected with CTPS1-related conditions. This variant is not present in population databases (gnomAD no frequency). This sequence change replaces histidine, which is basic and polar, with tyrosine, which is neutral and polar, at codon 478 of the CTPS1 protein (p.His478Tyr). Algorithms developed to predict the effect of missense changes on protein structure and function are either unavailable or do not agree on the potential impact of this missense change (SIFT: "Tolerated"; PolyPhen-2: "Probably Damaging"; Align-GVGD: "Class C0"). In summary, the available evidence is currently insufficient to determine the role of this variant in disease. Therefore, it has been classified as a Variant of Uncertain Significance. Algorithms developed to predict the effect of sequence changes on RNA splicing suggest that this variant may create or strengthen a splice site.

NM_001905.4(CTPS1):c.1432C>T (p.His478Tyr)

Gene: CTPS1 (CTP synthase 1; plus strand). Cytogenetic location: 1p34.2.
Variant type: single nucleotide variant.
Coding change: c.1432C>T on transcript NM_001905.4 (MANE Select); coding-DNA position 1432, C replaced by T.
Protein change: p.His478Tyr; replaces histidine 478 with tyrosine.
Molecular consequence: missense variant. On other transcripts: non-coding transcript variant (1).
Genome position (GRCh38, 1-based): chr1:41,008,697, C>T. VCF-style: chr1-41008697-C-T. GRCh37 (hg19) VCF-style: chr1-41474369-C-T.
Other names: c.964C>T, p.His322Tyr (NM_001301237.2); short protein forms H478Y, H322Y.
Identifiers: ClinVar variation 2079045 (VCV002079045.4), dbSNP rs2524359045, ClinGen allele CA339906165.